The following is an entry in ClinVar:

ClinVar aggregate classification (germline): Benign/Likely benign. Review status: criteria provided, multiple submitters, no conflicts (2 of 4 stars). 4 submissions from 4 submitters: Benign (1); Likely benign (3). Last evaluated 2026-05-21.

Conditions:
Hereditary cancer-predisposing syndrome. Also called: Hereditary neoplastic syndrome; Neoplastic Syndromes, Hereditary; Hereditary Cancer Syndrome; Tumor predisposition. Identifiers: Orphanet 140162, MedGen C0027672, MeSH D009386, MONDO:0015356.
Cardiovascular phenotype. Identifiers: MedGen CN230736.
Neurofibromatosis, type 1 (NF1). Also called: Peripheral type neurofibromatosis; Neurofibromatosis, type I; VON RECKLINGHAUSEN DISEASE; NEUROFIBROMATOSIS, TYPE I, SOMATIC. Identifiers: Orphanet 636, MedGen C0027831, MONDO:0018975, OMIM 162200. Disease mechanism: loss of function.

Submissions (4):

Myriad Genetics, Inc.
Classification: Benign for Neurofibromatosis, type 1. Last evaluated: 2026-05-21. Review status: criteria provided, single submitter. Criteria: Myriad Autosomal Dominant, Autosomal Recessive and X-Linked Classification Criteria (2023). Collection method: clinical testing. Allele origin: unknown.
Comment: This variant is considered benign. This variant is a silent/synonymous amino acid change and it is not expected to impact splicing.

Labcorp Genetics (formerly Invitae), Labcorp
Classification: Likely benign for Neurofibromatosis, type 1. Last evaluated: 2025-09-16. Review status: criteria provided, single submitter. Criteria: Invitae Variant Classification Sherloc (09022015). Collection method: clinical testing. Allele origin: germline.

Genome-Nilou Lab
Classification: Likely benign for Neurofibromatosis, type 1. Last evaluated: 2022-03-15. Review status: criteria provided, single submitter. Criteria: ACMG Guidelines, 2015. Collection method: clinical testing. Allele origin: germline. Affected: no.

Ambry Genetics
Classification: Likely benign for Cardiovascular phenotype; Hereditary cancer-predisposing syndrome. Last evaluated: 2017-01-11. Review status: criteria provided, single submitter. Criteria: Ambry Variant Classification Scheme 2023. Collection method: clinical testing. Allele origin: germline.

NM_001042492.3(NF1):c.7095T>C (p.Asn2365=)

Gene: NF1 (neurofibromin 1; plus strand). Cytogenetic location: 17q11.2.
Variant type: single nucleotide variant.
Coding change: c.7095T>C on transcript NM_001042492.3 (MANE Select); coding-DNA position 7095, T replaced by C.
Protein change: p.Asn2365=; no amino-acid change (asparagine 2365 retained).
Molecular consequence: synonymous variant.
Genome position (GRCh38, 1-based): chr17:31,343,041, T>C. VCF-style: chr17-31343041-T-C. GRCh37 (hg19) VCF-style: chr17-29670059-T-C.
Other names: c.7032T>C, p.Asn2344= (NM_000267.4).
Identifiers: ClinVar variation 480185 (VCV000480185.13), dbSNP rs981246691, ClinGen allele CA289396199.